The following is an entry in ClinVar:

NM_004415.4(DSP):c.2893C>G (p.Leu965Val)

Gene: DSP (desmoplakin; plus strand). Cytogenetic location: 6p24.3.
Variant type: single nucleotide variant.
Coding change: c.2893C>G on transcript NM_004415.4 (MANE Select); coding-DNA position 2893, C replaced by G.
Protein change: p.Leu965Val; replaces leucine 965 with valine.
Molecular consequence: missense variant.
Genome position (GRCh38, 1-based): chr6:7,577,794, C>G. VCF-style: chr6-7577794-C-G. GRCh37 (hg19) VCF-style: chr6-7578027-C-G.
Other names: c.2893C>G, p.Leu965Val (NM_001008844.3, NM_001319034.2); short protein forms L965V.
Identifiers: ClinVar variation 958117 (VCV000958117.8), dbSNP rs1239813518, ClinGen allele CA362682387.

ClinVar aggregate classification (germline): Uncertain significance (1 of 4 stars; one submission).

Conditions:
Arrhythmogenic right ventricular dysplasia 8 (ARVD8). Also called: ARRHYTHMOGENIC RIGHT VENTRICULAR DYSPLASIA, FAMILIAL, 8; ARRHYTHMOGENIC RIGHT VENTRICULAR CARDIOMYOPATHY 8; Arrhythmogenic Right Ventricular Dysplasia/Cardiomyopathy 8. Identifiers: MedGen C1843896, MONDO:0011831, OMIM 607450.
Arrhythmogenic cardiomyopathy with wooly hair and keratoderma. Also called: Dilated cardiomyopathy with woolly hair and keratoderma; PALMOPLANTAR KERATODERMA WITH LEFT VENTRICULAR CARDIOMYOPATHY AND WOOLLY HAIR; Carvajal syndrome; Arrhythmogenic cardiomyopathy with woolly hair and keratoderma. Identifiers: Orphanet 65282, MedGen C1854063, MONDO:0011581, OMIM 605676.

Allele frequency attached by ClinVar (database versions not stated): gnomAD exomes below 0.00001; TOPMed 0.00001.
gnomAD v4.1: 5 of 1,613,852 alleles (0.00031%); highest among the groups gnomAD compares: Non-Finnish European, 0.00034%; no homozygotes.

Submission:

Labcorp Genetics (formerly Invitae), Labcorp
Classification: Uncertain significance for Arrhythmogenic cardiomyopathy with wooly hair and keratoderma; Arrhythmogenic right ventricular dysplasia 8. Last evaluated: 2026-01-22. Review status: criteria provided, single submitter. Criteria: Invitae Variant Classification Sherloc (09022015). Collection method: clinical testing. Allele origin: germline.
Comment: This sequence change replaces leucine, which is neutral and non-polar, with valine, which is neutral and non-polar, at codon 965 of the DSP protein (p.Leu965Val). This variant is present in population databases (no rsID available, gnomAD 0.0009%). This variant has not been reported in the literature in individuals affected with DSP-related conditions. ClinVar contains an entry for this variant (Variation ID: 958117). An algorithm developed to predict the effect of missense changes on protein structure and function (PolyPhen-2) suggests that this variant is likely to be tolerated. In summary, the available evidence is currently insufficient to determine the role of this variant in disease. Therefore, it has been classified as a Variant of Uncertain Significance.